The following is an entry in ClinVar:

ClinVar aggregate classification (germline): Uncertain significance. Review status: criteria provided, multiple submitters, no conflicts (2 of 4 stars). 4 submissions from 4 submitters: Uncertain significance (4). Last evaluated 2025-02-26.

Conditions:
Renal hypomagnesemia 5 with ocular involvement. Also called: FHHNC WITH SEVERE OCULAR INVOLVEMENT; HYPOMAGNESEMIA, FAMILIAL, WITH HYPERCALCIURIA, NEPHROCALCINOSIS, AND SEVERE OCULAR INVOLVEMENT; MACULAR COLOBOMA, BILATERAL, WITH HYPERCALCIURIA; HYPOMAGNESEMIA 5, RENAL, WITH OR WITHOUT OCULAR INVOLVEMENT. Identifiers: Orphanet 2196, MedGen C4721891, MONDO:0009548, OMIM 248190.
CLDN19-related disorder. Also called: CLDN19-related condition.

Allele frequency attached by ClinVar (database versions not stated): TOPMed 0.00003; gnomAD 0.00004; gnomAD exomes 0.00005; ExAC 0.00007; 1000 Genomes Project 30x 0.00016; 1000 Genomes Project 0.00020.
gnomAD v4.1: 79 of 1,575,796 alleles (0.005%); highest among the groups gnomAD compares: Middle Eastern, 0.051%; no homozygotes.

Submissions (4):

PreventionGenetics, part of Exact Sciences
Classification: Uncertain significance for CLDN19-related condition. Last evaluated: 2025-02-26. Review status: criteria provided, single submitter. Criteria: ACMG Guidelines, 2015. Collection method: clinical testing. Allele origin: germline.
Comment: The CLDN19 c.626A>G variant is predicted to result in the amino acid substitution p.Glu209Gly. This variant has been reported in the heterozygous state in an individual with mild idiopathic infantile hypercalcemia and normal serum magnesium (Lenherr-Taube et al. 2021. PubMed ID: 34125233). This variant has also been reported in an individual with spinal neural tube defects and an overexpression model suggested that this variant may increase the risk of neural tube defects (Baumholtz et al. 2020. PubMed ID: 32760237). This variant is reported in 0.015% of alleles in individuals of European (Finnish) descent in gnomAD. At this time, the clinical significance of this variant is uncertain due to the absence of conclusive functional and genetic evidence.

Blueprint Genetics
Classification: Uncertain significance. Last evaluated: 2024-09-12. Review status: criteria provided, single submitter. Criteria: ACMG Guidelines, 2015. Collection method: clinical testing. Allele origin: germline.

Fulgent Genetics
Classification: Uncertain significance for Renal hypomagnesemia 5 with ocular involvement. Last evaluated: 2024-02-07. Review status: criteria provided, single submitter. Criteria: ACMG Guidelines, 2015. Collection method: clinical testing. Allele origin: germline.

Labcorp Genetics (formerly Invitae), Labcorp
Classification: Uncertain significance. Last evaluated: 2022-06-14. Review status: criteria provided, single submitter. Criteria: Invitae Variant Classification Sherloc (09022015). Collection method: clinical testing. Allele origin: germline.
Comment: This sequence change replaces glutamic acid, which is acidic and polar, with glycine, which is neutral and non-polar, at codon 209 of the CLDN19 protein (p.Glu209Gly). This variant is present in population databases (rs145157550, gnomAD 0.01%). This variant has not been reported in the literature in individuals affected with CLDN19-related conditions. Algorithms developed to predict the effect of missense changes on protein structure and function are either unavailable or do not agree on the potential impact of this missense change (SIFT: "Deleterious"; PolyPhen-2: "Benign"; Align-GVGD: "Class C0"). Algorithms developed to predict the effect of sequence changes on RNA splicing suggest that this variant may create or strengthen a splice site. In summary, the available evidence is currently insufficient to determine the role of this variant in disease. Therefore, it has been classified as a Variant of Uncertain Significance.

NM_148960.3(CLDN19):c.626A>G (p.Glu209Gly)

Gene: CLDN19 (claudin 19; minus strand). Cytogenetic location: 1p34.2.
Variant type: single nucleotide variant.
Coding change: c.626A>G on transcript NM_148960.3 (MANE Select); coding-DNA position 626, A replaced by G.
Protein change: p.Glu209Gly; replaces glutamic acid 209 with glycine.
Molecular consequence: missense variant.
Genome position (GRCh38, 1-based): chr1:42,735,878, T>C on the plus strand (A>G on the coding strand, the complement: CLDN19 is on the minus strand). VCF-style: chr1-42735878-T-C. GRCh37 (hg19) VCF-style: chr1-43201549-T-C.
Other names: c.626A>G, p.Glu209Gly (NM_001123395.2); c.541A>G, p.Ser181Gly (NM_001185117.2); c.626A>G (NM_148960.2); short protein forms E209G, S181G.
Identifiers: ClinVar variation 1981268 (VCV001981268.7), dbSNP rs145157550, ClinGen allele CA801331.